The following is an entry in ClinVar:

NM_001367624.2(ZNF469):c.10314C>G (p.Asn3438Lys)

Gene: ZNF469 (zinc finger protein 469; plus strand). Cytogenetic location: 16q24.2.
Variant type: single nucleotide variant.
Coding change: c.10314C>G on transcript NM_001367624.2 (MANE Select); coding-DNA position 10314, C replaced by G.
Protein change: p.Asn3438Lys; replaces asparagine 3438 with lysine.
Molecular consequence: missense variant.
Genome position (GRCh38, 1-based): chr16:88,437,784, C>G. VCF-style: chr16-88437784-C-G. GRCh37 (hg19) VCF-style: chr16-88504192-C-G.
Other names: NM_001127464.1:c.10230C>G; short protein forms N3438K.
Identifiers: ClinVar variation 3476335 (VCV003476335.2).

ClinVar aggregate classification (germline): Uncertain significance (1 of 4 stars; one submission).

Conditions:
Cardiovascular phenotype. Identifiers: MedGen CN230736.

gnomAD v4.1: 16 of 1,549,230 alleles (0.001%); highest among the groups gnomAD compares: East Asian, 0.0024%; no homozygotes.

Submission:

Ambry Genetics
Classification: Uncertain significance for Cardiovascular phenotype. Last evaluated: 2025-01-06. Review status: criteria provided, single submitter. Criteria: Ambry Variant Classification Scheme 2023. Collection method: clinical testing. Allele origin: germline.
Comment: The p.N3410K variant (also known as c.10230C>G), located in coding exon 2 of the ZNF469 gene, results from a C to G substitution at nucleotide position 10230. The asparagine at codon 3410 is replaced by lysine, an amino acid with similar properties. This amino acid position is conserved. In addition, this alteration is predicted to be tolerated by in silico analysis. Based on the available evidence, the clinical significance of this variant remains unclear.